The following is an entry in ClinVar:

NM_152703.5(SAMD9L):c.3627G>T (p.Gln1209His)

Gene: SAMD9L (sterile alpha motif domain containing 9 like; minus strand). Cytogenetic location: 7q21.2.
Variant type: single nucleotide variant.
Coding change: c.3627G>T on transcript NM_152703.5 (MANE Select); coding-DNA position 3627, G replaced by T.
Protein change: p.Gln1209His; replaces glutamine 1209 with histidine.
Molecular consequence: missense variant.
Genome position (GRCh38, 1-based): chr7:93,132,345, C>A on the plus strand (G>T on the coding strand, the complement: SAMD9L is on the minus strand). VCF-style: chr7-93132345-C-A. GRCh37 (hg19) VCF-style: chr7-92761658-C-A.
Other names: c.3627G>T, p.Gln1209His (NM_001303496.3, NM_001303497.3, NM_001303498.3 and 5 more transcripts); short protein forms Q1209H.
Identifiers: ClinVar variation 5028976 (VCV005028976.1).

ClinVar aggregate classification (germline): Uncertain significance (1 of 4 stars; one submission).

Conditions:
Inborn genetic diseases. Identifiers: MedGen C0950123, MeSH D030342.

gnomAD v4.1: 1 of 1,613,800 alleles (0.000062%); no homozygotes.

Submission:

Ambry Genetics
Classification: Uncertain significance for Inborn genetic diseases. Last evaluated: 2026-08-29. Review status: criteria provided, single submitter. Criteria: Ambry Variant Classification Scheme 2023. Collection method: clinical testing. Allele origin: germline.
Comment: The p.Q1209H variant (also known as c.3627G>T), located in coding exon 1 of the SAMD9L gene, results from a G to T substitution at nucleotide position 3627. The glutamine at codon 1209 is replaced by histidine, an amino acid with highly similar properties. This amino acid position is conserved. In addition, this alteration is predicted to be tolerated by in silico analysis. Based on the available evidence, the clinical significance of this variant remains unclear.